The following is an entry in ClinVar:

NM_181426.2(CCDC39):c.795G>T (p.Lys265Asn)

Gene: CCDC39 (coiled-coil domain 39 molecular ruler complex subunit; minus strand). Cytogenetic location: 3q26.33.
Variant type: single nucleotide variant.
Coding change: c.795G>T on transcript NM_181426.2 (MANE Select); coding-DNA position 795, G replaced by T.
Protein change: p.Lys265Asn; replaces lysine 265 with asparagine.
Molecular consequence: missense variant.
Genome position (GRCh38, 1-based): chr3:180,654,897, C>A on the plus strand (G>T on the coding strand, the complement: CCDC39 is on the minus strand). VCF-style: chr3-180654897-C-A. GRCh37 (hg19) VCF-style: chr3-180372685-C-A.
Other names: short protein forms K265N.
Identifiers: ClinVar variation 1443892 (VCV001443892.8), dbSNP rs761112741, ClinGen allele CA2716077.

ClinVar aggregate classification (germline): Uncertain significance. Review status: criteria provided, multiple submitters, no conflicts (2 of 4 stars). 3 submissions from 3 submitters: Uncertain significance (3). Last evaluated 2024-07-04.

Conditions:
Primary ciliary dyskinesia. Also called: Ciliary dyskinesia. Identifiers: Orphanet 244, MedGen C0008780, MONDO:0016575, HP:0012265.

Allele frequency attached by ClinVar (database versions not stated): ExAC 0.00001; gnomAD exomes 0.00001 and 0.00007; TOPMed 0.00002; gnomAD 0.00003 and 0.00004.
gnomAD v4.1: 105 of 1,590,450 alleles (0.0066%); highest among the groups gnomAD compares: Non-Finnish European, 0.0085%; no homozygotes.

Submissions (3):

Ambry Genetics
Classification: Uncertain significance for Primary ciliary dyskinesia. Last evaluated: 2024-07-04. Review status: criteria provided, single submitter. Criteria: Ambry Variant Classification Scheme 2023. Collection method: clinical testing. Allele origin: germline.
Comment: The p.K265N variant (also known as c.795G>T), located in coding exon 7 of the CCDC39 gene, results from a G to T substitution at nucleotide position 795. The lysine at codon 265 is replaced by asparagine, an amino acid with similar properties. This amino acid position is conserved. In addition, this alteration is predicted to be tolerated by in silico analysis. Since supporting evidence is limited at this time, the clinical significance of this alteration remains unclear.

Blueprint Genetics
Classification: Uncertain significance. Last evaluated: 2024-04-04. Review status: criteria provided, single submitter. Criteria: ACMG Guidelines, 2015. Collection method: clinical testing. Allele origin: germline.

Labcorp Genetics (formerly Invitae), Labcorp
Classification: Uncertain significance for Primary ciliary dyskinesia. Last evaluated: 2024-01-19. Review status: criteria provided, single submitter. Criteria: Invitae Variant Classification Sherloc (09022015). Collection method: clinical testing. Allele origin: germline.
Comment: This sequence change replaces lysine, which is basic and polar, with asparagine, which is neutral and polar, at codon 265 of the CCDC39 protein (p.Lys265Asn). This variant is present in population databases (rs761112741, gnomAD 0.004%). This variant has not been reported in the literature in individuals affected with CCDC39-related conditions. ClinVar contains an entry for this variant (Variation ID: 1443892). An algorithm developed to predict the effect of missense changes on protein structure and function (PolyPhen-2) suggests that this variant is likely to be disruptive. In summary, the available evidence is currently insufficient to determine the role of this variant in disease. Therefore, it has been classified as a Variant of Uncertain Significance.